The following is an entry in ClinVar:

ClinVar aggregate classification (germline): Uncertain significance. Review status: criteria provided, multiple submitters, no conflicts (2 of 4 stars). 6 submissions from 6 submitters: Uncertain significance (6). Last evaluated 2024-06-09.

Conditions:
Donnai-Barrow syndrome. Also called: DBS/FOAR SYNDROME; FACIOOCULOACOUSTICORENAL SYNDROME. Identifiers: Orphanet 2143, MedGen C1857277, MONDO:0009104, OMIM 222448.

Allele frequency attached by ClinVar (database versions not stated): ExAC 0.00003; gnomAD exomes 0.00004; gnomAD 0.00005 and 0.00006; TOPMed 0.00006; ESP Exome Variant Server 0.00015.
gnomAD v4.1: 162 of 1,614,108 alleles (0.01%); highest among the groups gnomAD compares: Non-Finnish European, 0.013%; no homozygotes.

Submissions (6):

Fulgent Genetics
Classification: Uncertain significance for Donnai-Barrow syndrome. Last evaluated: 2024-06-09. Review status: criteria provided, single submitter. Criteria: ACMG Guidelines, 2015. Collection method: clinical testing. Allele origin: germline.

Blueprint Genetics
Classification: Uncertain significance. Last evaluated: 2023-11-14. Review status: criteria provided, single submitter. Criteria: ACMG Guidelines, 2015. Collection method: clinical testing. Allele origin: germline.

Labcorp Genetics (formerly Invitae), Labcorp
Classification: Uncertain significance. Last evaluated: 2022-10-24. Review status: criteria provided, single submitter. Criteria: Invitae Variant Classification Sherloc (09022015). Collection method: clinical testing. Allele origin: germline.
Comment: This sequence change replaces aspartic acid, which is acidic and polar, with tyrosine, which is neutral and polar, at codon 2256 of the LRP2 protein (p.Asp2256Tyr). This variant is present in population databases (rs143262722, gnomAD 0.008%). This missense change has been observed in individual(s) with clinical features of Donnai-Barrow syndrome (PMID: 32238909). ClinVar contains an entry for this variant (Variation ID: 332143). Advanced modeling of protein sequence and biophysical properties (such as structural, functional, and spatial information, amino acid conservation, physicochemical variation, residue mobility, and thermodynamic stability) performed at Invitae indicates that this missense variant is expected to disrupt LRP2 protein function. In summary, the available evidence is currently insufficient to determine the role of this variant in disease. Therefore, it has been classified as a Variant of Uncertain Significance.

Genome-Nilou Lab
Classification: Uncertain significance for Donnai-Barrow syndrome. Last evaluated: 2021-07-15. Review status: criteria provided, single submitter. Criteria: ACMG Guidelines, 2015. Collection method: clinical testing. Allele origin: germline. Affected: no.

Cavalleri Lab, Royal College of Surgeons in Ireland
Classification: Uncertain significance for Donnai-Barrow syndrome. Last evaluated: 2019-12-11. Review status: criteria provided, single submitter. Criteria: ACMG Guidelines, 2015. Collection method: research. Allele origin: inherited. Inheritance: Autosomal recessive inheritance. Affected: yes.
Comment: ACMG evidence PM2, PP3

Illumina Laboratory Services, Illumina
Classification: Uncertain significance for Donnai-Barrow syndrome. Last evaluated: 2018-01-12. Review status: criteria provided, single submitter. Criteria: ICSL Variant Classification Criteria 13 December 2019. Collection method: clinical testing. Allele origin: germline.

Literature cited by the submitters: PubMed 32238909 (cited by Labcorp Genetics (formerly Invitae), Labcorp and Cavalleri Lab, Royal College of Surgeons in Ireland).

NM_004525.3(LRP2):c.6766G>T (p.Asp2256Tyr)

Gene: LRP2 (LDL receptor related protein 2; minus strand). Cytogenetic location: 2q31.1.
Variant type: single nucleotide variant.
Coding change: c.6766G>T on transcript NM_004525.3 (MANE Select); coding-DNA position 6766, G replaced by T.
Protein change: p.Asp2256Tyr; replaces aspartic acid 2256 with tyrosine.
Molecular consequence: missense variant.
Genome position (GRCh38, 1-based): chr2:169,206,954, C>A on the plus strand (G>T on the coding strand, the complement: LRP2 is on the minus strand). VCF-style: chr2-169206954-C-A. GRCh37 (hg19) VCF-style: chr2-170063464-C-A.
Other names: short protein forms D2256Y.
Identifiers: ClinVar variation 332143 (VCV000332143.14), dbSNP rs143262722, ClinGen allele CA1954225.
Genomic context (GRCh38, chr2:169,206,954, plus strand): 5'-GACTGCCATAACGAATCACTTCAGAGTTCTCTCCATTGATACGAATCCTTGCAATTATAT[C>A]TAAAGAATCATCAACCCAATAAACGTAGCCATCACTTCGGTCCACTGCCAAGCCCCGTGG-3'
Protein context (NP_004516.2, residues 2246-2266): GYVYWVDDSL[Asp2256Tyr]IIARIRINGE